The following is an entry in ClinVar:

NM_005359.6(SMAD4):c.57T>G (p.Ile19Met)

Gene: SMAD4 (SMAD family member 4; plus strand). Cytogenetic location: 18q21.2.
Variant type: single nucleotide variant.
Coding change: c.57T>G on transcript NM_005359.6 (MANE Select); coding-DNA position 57, T replaced by G.
Protein change: p.Ile19Met; replaces isoleucine 19 with methionine.
Molecular consequence: missense variant.
Genome position (GRCh38, 1-based): chr18:51,047,103, T>G. VCF-style: chr18-51047103-T-G. GRCh37 (hg19) VCF-style: chr18-48573473-T-G.
Other names: c.57T>G, p.Ile19Met (NM_001407041.1, NM_001407042.1, NM_001407043.1); short protein forms I19M.
Identifiers: ClinVar variation 1749774 (VCV001749774.2), dbSNP rs754401427, ClinGen allele CA402457421.

ClinVar aggregate classification (germline): Uncertain significance (1 of 4 stars; one submission).

Conditions:
Familial thoracic aortic aneurysm and aortic dissection (TAAD). Also called: Thoracic aortic aneurysms and dissections. Identifiers: Orphanet 91387, MedGen C4707243, MONDO:0019625.
Hereditary cancer-predisposing syndrome. Also called: Hereditary Cancer Syndrome; Hereditary neoplastic syndrome; Neoplastic Syndromes, Hereditary; Tumor predisposition. Identifiers: Orphanet 140162, MedGen C0027672, MeSH D009386, MONDO:0015356.

Submission:

Ambry Genetics
Classification: Uncertain significance for Hereditary cancer-predisposing syndrome; Familial thoracic aortic aneurysm and aortic dissection. Last evaluated: 2022-09-16. Review status: criteria provided, single submitter. Criteria: Ambry Variant Classification Scheme 2023. Collection method: clinical testing. Allele origin: germline.
Comment: The p.I19M variant (also known as c.57T>G), located in coding exon 1 of the SMAD4 gene, results from a T to G substitution at nucleotide position 57. The isoleucine at codon 19 is replaced by methionine, an amino acid with highly similar properties. This amino acid position is conserved. In addition, the in silico prediction for this alteration is inconclusive. Since supporting evidence is limited at this time, the clinical significance of this alteration remains unclear.